The following is an entry in ClinVar:

NM_001692.4(ATP6V1B1):c.938G>A (p.Gly313Glu)

Gene: ATP6V1B1 (ATPase H+ transporting V1 subunit B1; plus strand). Cytogenetic location: 2p13.3.
Variant type: single nucleotide variant.
Coding change: c.938G>A on transcript NM_001692.4 (MANE Select); coding-DNA position 938, G replaced by A.
Protein change: p.Gly313Glu; replaces glycine 313 with glutamic acid.
Molecular consequence: missense variant.
Genome position (GRCh38, 1-based): chr2:70,963,190, G>A. VCF-style: chr2-70963190-G-A. GRCh37 (hg19) VCF-style: chr2-71190320-G-A.
Other names: short protein forms G313E.
Identifiers: ClinVar variation 3066305 (VCV003066305.1), dbSNP rs2466301283, ClinGen allele CA347185622.

ClinVar aggregate classification (germline): Uncertain significance (1 of 4 stars; one submission).

Conditions:
Renal tubular acidosis with progressive nerve deafness. Also called: RENAL TUBULAR ACIDOSIS, AUTOSOMAL RECESSIVE, WITH PROGRESSIVE NERVE DEAFNESS; RTA WITH PROGRESSIVE NERVE DEAFNESS; Distal Renal Tubular Acidosis with Progressive Sensorineural Deafness; renal tubular acidosis, distal, 2, with progressive sensorineural hearing loss. Identifiers: MedGen C0403554, MONDO:0009968, OMIM 267300.

Submission:

MVZ Medizinische Genetik Mainz
Classification: Uncertain significance for Renal tubular acidosis with progressive nerve deafness. Last evaluated: 2023-08-30. Review status: criteria provided, single submitter. Criteria: UK Practice Guidelines For Variant Classification V4 01 2020. Collection method: clinical testing. Allele origin: germline. Inheritance: Autosomal recessive inheritance. Affected: yes. Observed: 1 variant allele.
Comment: ACMG Criteria: PM2_SUP,PP3_MOD